The following is an entry in ClinVar:

NM_054012.4(ASS1):c.380G>A (p.Arg127Gln)

Gene: ASS1 (argininosuccinate synthase 1; plus strand). Cytogenetic location: 9q34.11.
Variant type: single nucleotide variant.
Coding change: c.380G>A on transcript NM_054012.4 (MANE Select); coding-DNA position 380, G replaced by A.
Protein change: p.Arg127Gln; replaces arginine 127 with glutamine.
Molecular consequence: missense variant.
Genome position (GRCh38, 1-based): chr9:130,464,127, G>A. VCF-style: chr9-130464127-G-A. GRCh37 (hg19) VCF-style: chr9-133339514-G-A.
Other names: c.380G>A, p.Arg127Gln (NM_000050.4); short protein forms R127Q.
Identifiers: ClinVar variation 623334 (VCV000623334.22), dbSNP rs201623252, ClinGen allele CA5283261.

ClinVar aggregate classification (germline): Pathogenic. Review status: criteria provided, multiple submitters, no conflicts (2 of 4 stars). 4 submissions from 4 submitters: Pathogenic (4). Last evaluated 2025-05-27.

Conditions:
Citrullinemia. Identifiers: Orphanet 187, MedGen C0175683, MONDO:0015991.
Citrullinemia type I (CTNL1). Also called: argininosuccinate synthetase deficiency; ASS DEFICIENCY. Identifiers: Orphanet 247525, MedGen C4721769, MONDO:0008988, OMIM 215700.

Allele frequency attached by ClinVar (database versions not stated): gnomAD exomes below 0.00001; ExAC 0.00001; gnomAD 0.00001; TOPMed 0.00001.
gnomAD v4.1: 10 of 1,613,924 alleles (0.00062%); highest among the groups gnomAD compares: Admixed American, 0.0017%; no homozygotes.

Submissions (4):

Labcorp Genetics (formerly Invitae), Labcorp
Classification: Pathogenic for Citrullinemia. Last evaluated: 2025-05-27. Review status: criteria provided, single submitter. Criteria: Invitae Variant Classification Sherloc (09022015). Collection method: clinical testing. Allele origin: germline.
Comment: This sequence change replaces arginine, which is basic and polar, with glutamine, which is neutral and polar, at codon 127 of the ASS1 protein (p.Arg127Gln). This variant is present in population databases (rs201623252, gnomAD 0.0009%). This missense change has been observed in individual(s) with citrulinemia (PMID: 14680976, 23099195, 28111830, 31208364). ClinVar contains an entry for this variant (Variation ID: 623334). Invitae Evidence Modeling of protein sequence and biophysical properties (such as structural, functional, and spatial information, amino acid conservation, physicochemical variation, residue mobility, and thermodynamic stability) indicates that this missense variant is expected to disrupt ASS1 protein function with a positive predictive value of 80%. This variant disrupts the p.Arg127 amino acid residue in ASS1. Other variant(s) that disrupt this residue have been determined to be pathogenic (PMID: 19006241, 23246278, 27287393). This suggests that this residue is clinically significant, and that variants that disrupt this residue are likely to be disease-causing. For these reasons, this variant has been classified as Pathogenic.

Natera, Inc.
Classification: Pathogenic for Citrullinemia type I. Last evaluated: 2024-10-31. Review status: criteria provided, single submitter. Criteria: Natera Variant Classification Schema (03/2026). Collection method: clinical testing. Allele origin: germline.
Comment: The c.380G>A variant in ASS1 is a missense variant predicted to cause substitution of arginine to glutamine at amino acid 127. This variant is rare in the general population with a frequency below the threshold expected for the associated phenotype(s). This variant has been observed in one or more individuals affected with the associated recessive disease, as either homozygous or compound heterozygous with a second variant (PMID: 15164414, 23099195, 31208364, 14680976, 24889030). Additionally, this variant has been observed to segregate in affected family members (PMID: 15164414). Functional studies show that this variant may disrupt protein function (PMID: 31469252). A different variant at the same position has been determined to be Pathogenic or Likely Pathogenic. Computational prediction algorithms indicate this variant is likely to affect gene or protein function. Given the available evidence, this variant is classified as Pathogenic.

Department of Genetics, Sultan Qaboos University Hospital
Classification: Pathogenic for Citrullinemia type I. Last evaluated: 2023-12-30. Review status: criteria provided, single submitter. Criteria: ACMG Guidelines, 2015. Collection method: curation. Allele origin: unknown. Inheritance: Autosomal recessive inheritance. Affected: yes.

GeneDx
Classification: Pathogenic. Last evaluated: 2023-01-19. Review status: criteria provided, single submitter. Criteria: GeneDx Variant Classification Process June 2021. Collection method: clinical testing. Allele origin: germline. Affected: yes.
Comment: Published functional studies found this variant is associated with significantly reduced enzyme activity compared to wild-type (Diez-Fernandez C et al., 2016; Zielonka M et al., 2019); Identified in individuals with positive newborn screening for citrullinemia who were also heterozygous for another variant in the ASS1 gene (Haberle J et al., 2003; Woo HI et al., 2013); Not observed at significant frequency in large population cohorts (gnomAD); In silico analysis supports that this missense variant has a deleterious effect on protein structure/function; This variant is associated with the following publications: (PMID: 29896748, 31469252, 29273096, 25443352, 36263152, 31208364, 27915290, 26659599, 28111830, 23099195, 19006241, 24508627, 27287393, 14680976)

Literature cited by the submitters: PubMed 14680976 (cited by Labcorp Genetics (formerly Invitae), Labcorp and Natera, Inc.); PubMed 23099195 (cited by Labcorp Genetics (formerly Invitae), Labcorp and Natera, Inc.); PubMed 28111830 (cited by Labcorp Genetics (formerly Invitae), Labcorp); PubMed 31208364 (cited by Labcorp Genetics (formerly Invitae), Labcorp and Natera, Inc.); PubMed 19006241 (cited by Labcorp Genetics (formerly Invitae), Labcorp); PubMed 23246278 (cited by Labcorp Genetics (formerly Invitae), Labcorp); PubMed 27287393 (cited by Labcorp Genetics (formerly Invitae), Labcorp); PubMed 15164414 (cited by Natera, Inc.); PubMed 24889030 (cited by Natera, Inc.); PubMed 31469252 (cited by Natera, Inc.).